The following is an entry in ClinVar:

ClinVar aggregate classification (germline): Uncertain significance. Review status: criteria provided, multiple submitters, no conflicts (2 of 4 stars). 2 submissions from 2 submitters: Uncertain significance (2). Last evaluated 2023-08-09.

Submissions (2):

Blueprint Genetics
Classification: Uncertain significance. Last evaluated: 2023-08-09. Review status: criteria provided, single submitter. Criteria: ACMG Guidelines, 2015. Collection method: clinical testing. Allele origin: germline.

Labcorp Genetics (formerly Invitae), Labcorp
Classification: Uncertain significance. Last evaluated: 2022-08-09. Review status: criteria provided, single submitter. Criteria: Invitae Variant Classification Sherloc (09022015). Collection method: clinical testing. Allele origin: germline.
Comment: This sequence change results in a frameshift in the TYRP1 gene (p.Val537Cysfs*27). While this is not anticipated to result in nonsense mediated decay, it is expected to disrupt the last 1 amino acid(s) of the TYRP1 protein and extend the protein by 25 additional amino acid residues. This variant is present in population databases (rs779147141, gnomAD 0.002%). This variant has not been reported in the literature in individuals affected with TYRP1-related conditions. ClinVar contains an entry for this variant (Variation ID: 1359707). Experimental studies and prediction algorithms are not available or were not evaluated, and the functional significance of this variant is currently unknown. In summary, the available evidence is currently insufficient to determine the role of this variant in disease. Therefore, it has been classified as a Variant of Uncertain Significance.

NM_000550.3(TYRP1):c.1598_1601dup (p.Val537fs)

Genes: LURAP1L-AS1 (LURAP1L antisense RNA 1; minus strand), TYRP1 (tyrosinase related protein 1; plus strand). Cytogenetic location: 9p23.
Variant type: Duplication.
Coding change: c.1598_1601dup on transcript NM_000550.3 (MANE Select); coding-DNA positions 1598 to 1601, 4 bases duplicated (ATCA; older notation c.1598_1601dupATCA).
Protein change: p.Val537fs; shifts the reading frame from valine 537.
Molecular consequence: frameshift variant.
Genome position (GRCh38, 1-based): chr9:12,709,166-12,709,169, ATCA duplicated; duplicating any 4 consecutive bases within chr9:12,709,165-12,709,169 gives the same sequence; the c. name uses the placement nearest the transcript's 3' end. VCF-style (leftmost placement, unchanged base first): chr9-12709164-T-TAATC. GRCh37 (hg19) VCF-style: chr9-12709164-T-TAATC.
Other names: short protein forms V537fs.
Identifiers: ClinVar variation 1359707 (VCV001359707.4), dbSNP rs779147141, ClinGen allele CA4985636.